The following is an entry in ClinVar:

ClinVar aggregate classification (germline): Uncertain significance. Review status: criteria provided, multiple submitters, no conflicts (2 of 4 stars). 4 submissions from 4 submitters: Uncertain significance (4). Last evaluated 2025-06-22.

Conditions:
Coffin-Siris syndrome 12. Identifiers: MedGen C5444111, MONDO:0025699, OMIM 619325.

Allele frequency attached by ClinVar (database versions not stated): gnomAD 0.00001; TOPMed 0.00002.
gnomAD v4.1: 10 of 1,524,866 alleles (0.00066%); highest among the groups gnomAD compares: Admixed American, 0.0021%; no homozygotes.

Submissions (4):

Ambry Genetics
Classification: Uncertain significance. Last evaluated: 2025-06-22. Review status: criteria provided, single submitter. Criteria: Ambry Variant Classification Scheme 2023. Collection method: clinical testing. Allele origin: germline.

Women's Health and Genetics/Laboratory Corporation of America, LabCorp
Classification: Uncertain significance. Last evaluated: 2023-10-30. Review status: criteria provided, single submitter. Criteria: LabCorp Variant Classification Summary - May 2015. Collection method: clinical testing. Allele origin: germline.
Comment: Variant summary: BICRA c.515C>T (p.Pro172Leu) results in a non-conservative amino acid change in the encoded protein sequence. Three of five in-silico tools predict a benign effect of the variant on protein function. The variant was absent in 119412 control chromosomes (gnomAD). The available data on variant occurrences in the general population are insufficient to allow any conclusion about variant significance. To our knowledge, no occurrence of c.515C>T in individuals affected with Coffin-Siris Syndrome 12 and no experimental evidence demonstrating its impact on protein function have been reported. Two submitters have cited clinical-significance assessments for this variant to ClinVar after 2014. Both submitters classified the variant as uncertain significance. Based on the evidence outlined above, the variant was classified as uncertain significance.

Baylor Genetics
Classification: Uncertain significance for Coffin-Siris syndrome 12. Last evaluated: 2021-10-27. Review status: criteria provided, single submitter. Criteria: ACMG Guidelines, 2015. Collection method: clinical testing. Allele origin: unknown.

Labcorp Genetics (formerly Invitae), Labcorp
Classification: Uncertain significance. Last evaluated: 2021-01-08. Review status: criteria provided, single submitter. Criteria: Invitae Variant Classification Sherloc (09022015). Collection method: clinical testing. Allele origin: germline.
Comment: This sequence change replaces proline with leucine at codon 172 of the GLTSCR1 protein (p.Pro172Leu). The proline residue is highly conserved and there is a moderate physicochemical difference between proline and leucine. In summary, the available evidence is currently insufficient to determine the role of this variant in disease. Therefore, it has been classified as a Variant of Uncertain Significance. Algorithms developed to predict the effect of missense changes on protein structure and function are either unavailable or do not agree on the potential impact of this missense change (SIFT: "Deleterious"; PolyPhen-2: "Not Available"; Align-GVGD: "Class C65"). This variant has not been reported in the literature in individuals with GLTSCR1-related conditions. The frequency data for this variant in the population databases is considered unreliable, as metrics indicate insufficient coverage at this position in the ExAC database.

NM_001394372.1(BICRA):c.515C>T (p.Pro172Leu)

Gene: BICRA (BRD4 interacting chromatin remodeling complex associated protein; plus strand). Cytogenetic location: 19q13.33.
Variant type: single nucleotide variant.
Coding change: c.515C>T on transcript NM_001394372.1 (MANE Select); coding-DNA position 515, C replaced by T.
Protein change: p.Pro172Leu; replaces proline 172 with leucine.
Molecular consequence: missense variant.
Genome position (GRCh38, 1-based): chr19:47,679,685, C>T. VCF-style: chr19-47679685-C-T. GRCh37 (hg19) VCF-style: chr19-48182942-C-T.
Other names: c.515C>T, p.Pro172Leu (NM_015711.3); short protein forms P172L.
Identifiers: ClinVar variation 1682848 (VCV001682848.10), dbSNP rs1599846930, ClinGen allele CA406609418.
Genomic context (GRCh38, chr19:47,679,685, plus strand): 5'-TGGCTGCGGGGCCCCAAGCCCTCTTCCCAGGCAGCACCGACCTGCTGGGGCTGCAGGGCC[C>T]GCCTACCGTGCTGACCCACCAGGCCCTGGTGCCGCCCCAGGACGTGGTCAACAAGGCCCT-3'
Protein context (NP_001381301.1, residues 162-182): GSTDLLGLQG[Pro172Leu]PTVLTHQALV